The following is an entry in ClinVar:

NM_005502.4(ABCA1):c.2663T>G (p.Met888Arg)

Gene: ABCA1 (ATP binding cassette subfamily A member 1; minus strand). Cytogenetic location: 9q31.1.
Variant type: single nucleotide variant.
Coding change: c.2663T>G on transcript NM_005502.4 (MANE Select); coding-DNA position 2663, T replaced by G.
Protein change: p.Met888Arg; replaces methionine 888 with arginine.
Molecular consequence: missense variant.
Genome position (GRCh38, 1-based): chr9:104,822,661, A>C on the plus strand (T>G on the coding strand, the complement: ABCA1 is on the minus strand). VCF-style: chr9-104822661-A-C. GRCh37 (hg19) VCF-style: chr9-107584942-A-C.
Other names: short protein forms M888R.
Identifiers: ClinVar variation 1794478 (VCV001794478.2), dbSNP rs1027810518, ClinGen allele CA197390330.
Genomic context (GRCh38, chr9:104,822,661, plus strand): 5'-TAGACTTTTACCAGGTTCTGAATGGACACGCCCAGCTTCAAGTGGGTGGGTTCCTCCTCC[A>C]TGCAGACTGTGACAGGAGAGAAGACAGAAATGAACCCACAGAAAGCACTGAGGAGTGGAG-3'
Protein context (NP_005493.2, residues 878-898): SNQKRISEIC[Met888Arg]EEEPTHLKLG

ClinVar aggregate classification (germline): Uncertain significance (1 of 4 stars; one submission).

Conditions:
Cardiovascular phenotype. Identifiers: MedGen CN230736.

Allele frequency attached by ClinVar (database versions not stated): TOPMed below 0.00001; gnomAD exomes 0.00003.
gnomAD v4.1: 37 of 1,614,114 alleles (0.0023%); highest among the groups gnomAD compares: Non-Finnish European, 0.0031%; no homozygotes.

Submission:

Ambry Genetics
Classification: Uncertain significance for Cardiovascular phenotype. Last evaluated: 2022-04-03. Review status: criteria provided, single submitter. Criteria: Ambry Variant Classification Scheme 2023. Collection method: clinical testing. Allele origin: germline.
Comment: The p.M888R variant (also known as c.2663T>G), located in coding exon 18 of the ABCA1 gene, results from a T to G substitution at nucleotide position 2663. The methionine at codon 888 is replaced by arginine, an amino acid with similar properties. This amino acid position is conserved. In addition, the in silico prediction for this alteration is inconclusive. Since supporting evidence is limited at this time, the clinical significance of this alteration remains unclear.